The following is an entry in ClinVar:

NM_024675.4(PALB2):c.292A>G (p.Ile98Val)

Gene: PALB2 (partner and localizer of BRCA2; minus strand). Cytogenetic location: 16p12.2.
Variant type: single nucleotide variant.
Coding change: c.292A>G on transcript NM_024675.4 (MANE Select); coding-DNA position 292, A replaced by G.
Protein change: p.Ile98Val; replaces isoleucine 98 with valine.
Molecular consequence: missense variant.
Genome position (GRCh38, 1-based): chr16:23,636,254, T>C on the plus strand (A>G on the coding strand, the complement: PALB2 is on the minus strand). VCF-style: chr16-23636254-T-C. GRCh37 (hg19) VCF-style: chr16-23647575-T-C.
Other names: NP_078951.2:p.Ile98Val; short protein forms I98V.
Identifiers: ClinVar variation 142935 (VCV000142935.23), dbSNP rs587782831, ClinGen allele CA169811.

ClinVar aggregate classification (germline): Conflicting classifications of pathogenicity. Review status: criteria provided, conflicting classifications (1 of 4 stars). 8 submissions from 8 submitters: Uncertain significance (4); Likely benign (3). 1 of the submissions does not count toward it. Last evaluated 2026-01-06.

Conditions:
Hereditary cancer-predisposing syndrome. Also called: Hereditary Cancer Syndrome; Neoplastic Syndromes, Hereditary; Hereditary neoplastic syndrome; Tumor predisposition. Identifiers: Orphanet 140162, MedGen C0027672, MeSH D009386, MONDO:0015356.
Hereditary breast ovarian cancer syndrome. Also called: BRCA1- and BRCA2-Associated Hereditary Breast and Ovarian Cancer; Hereditary breast and ovarian cancer syndrome; Hereditary breast and/or ovarian cancer syndrome; Breast and ovarian cancer; Hereditary breast and ovarian cancer; Hereditary breast and ovarian cancer syndrome (HBOC). Identifiers: Orphanet 145, MedGen C0677776, MeSH D061325, MONDO:0003582. Disease mechanism: loss of function.
Familial cancer of breast. Also called: BREAST CANCER, FAMILIAL; Hereditary breast cancer; hereditary breast carcinoma. Identifiers: Orphanet 227535, MedGen C0346153, MONDO:0016419, OMIM 114480. Disease mechanism: loss of function.

Allele frequency attached by ClinVar (database versions not stated): TOPMed below 0.00001; gnomAD 0.00001; ExAC 0.00002; gnomAD exomes 0.00002.
gnomAD v4.1: 26 of 1,613,850 alleles (0.0016%); highest among the groups gnomAD compares: Middle Eastern, 0.016%; no homozygotes.

Submissions (8):

Labcorp Genetics (formerly Invitae), Labcorp
Classification: Uncertain significance for Familial cancer of breast. Last evaluated: 2026-01-06. Review status: criteria provided, single submitter. Criteria: Invitae Variant Classification Sherloc (09022015). Collection method: clinical testing. Allele origin: germline.
Comment: This sequence change replaces isoleucine, which is neutral and non-polar, with valine, which is neutral and non-polar, at codon 98 of the PALB2 protein (p.Ile98Val). This variant is present in population databases (rs587782831, gnomAD 0.007%). This missense change has been observed in individual(s) with breast cancer (PMID: 24556926, 31159747). ClinVar contains an entry for this variant (Variation ID: 142935). An algorithm developed to predict the effect of missense changes on protein structure and function outputs the following: PolyPhen-2: "Benign". The valine amino acid residue is found in multiple mammalian species, which suggests that this missense change does not adversely affect protein function. In summary, the available evidence is currently insufficient to determine the role of this variant in disease. Therefore, it has been classified as a Variant of Uncertain Significance.

GeneDx
Classification: Uncertain significance. Last evaluated: 2025-01-23. Review status: criteria provided, single submitter. Criteria: GeneDx Variant Classification Process June 2021. Collection method: clinical testing. Allele origin: germline. Affected: yes.
Comment: Not observed at significant frequency in large population cohorts (gnomAD); In silico analysis indicates that this missense variant does not alter protein structure/function; Observed in individuals with breast cancer, biliary tract cancer, as well as healthy controls (PMID: 24556926, 30287823, 36243179); This variant is associated with the following publications: (PMID: 24556926, 30287823, 20871615, 19369211, 31159747, 36243179)

Molecular Pathology, Peter Maccallum Cancer Centre
Classification: Uncertain significance for Familial cancer of breast. Last evaluated: 2024-12-31. Review status: criteria provided, single submitter. Criteria: ACMG Guidelines, 2015. Collection method: clinical testing. Allele origin: germline. Inheritance: Autosomal dominant inheritance.

National Health Laboratory Service, Universitas Academic Hospital and University of the Free State
Classification: Likely benign for Hereditary breast ovarian cancer syndrome. Last evaluated: 2022-04-19. Review status: criteria provided, single submitter. Criteria: ACMG Guidelines, 2015. Collection method: clinical testing. Allele origin: germline. Affected: yes. Observed: 1 variant allele.

Ambry Genetics
Classification: Likely benign for Hereditary cancer-predisposing syndrome. Last evaluated: 2019-02-22. Review status: criteria provided, single submitter. Criteria: Ambry Variant Classification Scheme 2023. Collection method: clinical testing. Allele origin: germline.

GeneKor MSA
Classification: Uncertain significance for Hereditary cancer-predisposing syndrome. Last evaluated: 2018-08-01. Review status: criteria provided, single submitter. Criteria: ACMG Guidelines, 2015. Collection method: clinical testing. Allele origin: germline. Affected: yes.

Color Diagnostics, LLC DBA Color Health
Classification: Likely benign for Hereditary cancer-predisposing syndrome. Last evaluated: 2017-08-21. Review status: criteria provided, single submitter. Criteria: ACMG Guidelines, 2015. Collection method: clinical testing. Allele origin: germline.

Leiden Open Variation Database
Classification: Uncertain significance for Familial cancer of breast. Last evaluated: 2019-05-13. Review status: no assertion criteria provided. Collection method: curation. Allele origin: germline. Affected: no. Not counted in ClinVar's aggregate classification.
Comment: Curators: Marc Tischkowitz, Arleen D. Auerbach. Submitters to LOVD: Marc Tischkowitz, Yukihide Momozawa.

Literature cited by the submitters: PubMed 24556926 (cited by 3 submitters); PubMed 31159747 (cited by Labcorp Genetics (formerly Invitae), Labcorp); PubMed 30287823 (cited by Ambry Genetics and Leiden Open Variation Database).